The following is an entry in ClinVar:

ClinVar aggregate classification (germline): Pathogenic/Likely pathogenic. Review status: criteria provided, multiple submitters, no conflicts (2 of 4 stars). 3 submissions from 3 submitters: Pathogenic (1); Likely pathogenic (2). Last evaluated 2024-11-16.

Conditions:
Familial thoracic aortic aneurysm and aortic dissection (TAAD). Also called: Thoracic aortic aneurysms and dissections. Identifiers: Orphanet 91387, MedGen C4707243, MONDO:0019625.
Marfan syndrome (MFS). Also called: Marfan syndrome type 1; Marfan syndrome, classic; Marfan's syndrome; FBN1-Related Marfan Syndrome; MARFAN SYNDROME, TYPE I. Identifiers: Orphanet 284963, Orphanet 558, MedGen C0024796, MONDO:0007947, OMIM 154700.

Submissions (3):

Ambry Genetics
Classification: Likely pathogenic for Familial thoracic aortic aneurysm and aortic dissection. Last evaluated: 2024-11-16. Review status: criteria provided, single submitter. Criteria: Ambry Variant Classification Scheme 2023. Collection method: clinical testing. Allele origin: germline.
Comment: The p.C1876R variant (also known as c.5626T>C) is located in coding exon 45 of the FBN1 gene. This alteration results from a T to C substitution at nucleotide position 5626. The cysteine at codon 1876 is replaced by arginine, an amino acid with highly dissimilar properties. The majority of FBN1 mutations identified to date have involved the substitution or generation of cysteine residues within cbEGF domains (Vollbrandt T et al. J Biol Chem. 2004;279(31):32924-32931). Internal structural analysis indicates this alteration eliminates a disulfide bond critical for the structural integrity of the cbEGF27 domain (Ambry internal data). Another variant at the same codon, p.C1876Y (c.5627G>A), has been reported in association with Marfan syndrome (Arbustini E. Hum Mutat . 2005 Nov;26(5):494). This amino acid position is highly conserved in available vertebrate species. In addition, this alteration is predicted to be deleterious by in silico analysis. This variant is considered to be rare based on population cohorts in the Genome Aggregation Database (gnomAD). Based on the majority of available evidence to date, this variant is likely to be pathogenic.

Molecular Diagnostic Laboratory for Inherited Cardiovascular Disease, Montreal Heart Institute
Classification: Pathogenic. Last evaluated: 2017-07-03. Review status: criteria provided, single submitter. Criteria: ACMG Guidelines, 2015. Collection method: clinical testing. Allele origin: germline. Affected: yes.

Center for Human Genetics, Inc
Classification: Likely pathogenic for Marfan syndrome. Last evaluated: 2016-11-01. Review status: criteria provided, single submitter. Criteria: ACMG Guidelines, 2015. Collection method: clinical testing. Allele origin: germline. Affected: yes.

NM_000138.5(FBN1):c.5626T>C (p.Cys1876Arg)

Gene: FBN1 (fibrillin 1; minus strand). Cytogenetic location: 15q21.1.
Variant type: single nucleotide variant.
Coding change: c.5626T>C on transcript NM_000138.5 (MANE Select); coding-DNA position 5626, T replaced by C.
Protein change: p.Cys1876Arg; replaces cysteine 1876 with arginine.
Molecular consequence: missense variant.
Genome position (GRCh38, 1-based): chr15:48,448,813, A>G on the plus strand (T>C on the coding strand, the complement: FBN1 is on the minus strand). VCF-style: chr15-48448813-A-G. GRCh37 (hg19) VCF-style: chr15-48741010-A-G.
Other names: short protein forms C1876R.
Identifiers: ClinVar variation 520499 (VCV000520499.7), dbSNP rs1555395980, ClinGen allele CA392341877.